The following is an entry in ClinVar:

ClinVar aggregate classification (germline): Uncertain significance (1 of 4 stars; one submission).

Allele frequency attached by ClinVar (database versions not stated): gnomAD 0.00001.
gnomAD v4.1: 22 of 1,613,760 alleles (0.0014%); highest among the groups gnomAD compares: African/African-American, 0.0067%; no homozygotes.

Submission:

Ambry Genetics
Classification: Uncertain significance. Last evaluated: 2026-03-09. Review status: criteria provided, single submitter. Criteria: Ambry Variant Classification Scheme 2023. Collection method: clinical testing. Allele origin: germline.
Comment: The c.1156C>T (p.R386C) alteration is located in exon 14 (coding exon 14) of the IQCE gene. This alteration results from a C to T substitution at nucleotide position 1156, causing the arginine (R) at amino acid position 386 to be replaced by a cysteine (C). Based on data from gnomAD, the T allele has an overall frequency of 0.001% (2/249140) total alleles studied. The highest observed frequency was 0.007% (1/15432) of African alleles. Based on insufficient or conflicting evidence, the clinical significance of this alteration remains unclear.

NM_152558.5(IQCE):c.1156C>T (p.Arg386Cys)

Gene: IQCE (IQ motif containing E; plus strand). Cytogenetic location: 7p22.3.
Variant type: single nucleotide variant.
Coding change: c.1156C>T on transcript NM_152558.5 (MANE Select); coding-DNA position 1156, C replaced by T.
Protein change: p.Arg386Cys; replaces arginine 386 with cysteine.
Molecular consequence: missense variant.
Genome position (GRCh38, 1-based): chr7:2,590,018, C>T. VCF-style: chr7-2590018-C-T. GRCh37 (hg19) VCF-style: chr7-2629652-C-T.
Other names: c.1156C>T, p.Arg386Cys (NM_001287499.2); c.1108C>T, p.Arg370Cys (NM_001287500.2, NM_001410865.1); c.961C>T, p.Arg321Cys (NM_001287501.2, NM_001287502.2); short protein forms R321C, R370C, R386C.
Identifiers: ClinVar variation 2468557 (VCV002468557.3), dbSNP rs999470909, ClinGen allele CA152669868.
Genomic context (GRCh38, chr7:2,590,018, plus strand): 5'-TCACACCCGCCAGCCTGCCTTGCATCCAGCTCTGCGCTGCACAGACAGCCACGAGGGGAC[C>T]GCAACAAGGACCACGAGCGTCTCCGAGGGGCTGTGAGAGACCTGAAGGAAGAGCGGACCG-3'
Protein context (NP_689771.3, residues 376-396): SALHRQPRGD[Arg386Cys]NKDHERLRGA